The following is an entry in ClinVar:

ClinVar aggregate classification (germline): Conflicting classifications of pathogenicity. Review status: criteria provided, conflicting classifications (1 of 4 stars). 2 submissions from 2 submitters: Uncertain significance (1); Likely benign (1). Last evaluated 2025-12-08.

Conditions:
Inborn genetic diseases. Identifiers: MedGen C0950123, MeSH D030342.

Submissions (2):

Labcorp Genetics (formerly Invitae), Labcorp
Classification: Likely benign. Last evaluated: 2025-12-08. Review status: criteria provided, single submitter. Criteria: Invitae Variant Classification Sherloc (09022015). Collection method: clinical testing. Allele origin: germline.

Ambry Genetics
Classification: Uncertain significance for Inborn genetic diseases. Last evaluated: 2025-08-14. Review status: criteria provided, single submitter. Criteria: Ambry Variant Classification Scheme 2023. Collection method: clinical testing. Allele origin: germline.
Comment: The c.5385G>A (p.M1795I) alteration is located in exon 40 (coding exon 40) of the CACNA1E gene. This alteration results from a G to A substitution at nucleotide position 5385, causing the methionine (M) at amino acid position 1795 to be replaced by an isoleucine (I). This variant was not reported in population-based cohorts in the Genome Aggregation Database (gnomAD). This amino acid position is highly conserved in available vertebrate species. This missense alteration is located in a region that has a low rate of benign missense variation (Lek, 2016; Firth, 2009). This alteration is predicted to be deleterious by in silico analysis. Based on insufficient or conflicting evidence, the clinical significance of this alteration remains unclear.

NM_001205293.3(CACNA1E):c.5385G>A (p.Met1795Ile)

Gene: CACNA1E (calcium voltage-gated channel subunit alpha1 E; plus strand). Cytogenetic location: 1q25.3.
Variant type: single nucleotide variant.
Coding change: c.5385G>A on transcript NM_001205293.3 (MANE Select); coding-DNA position 5385, G replaced by A.
Protein change: p.Met1795Ile; replaces methionine 1795 with isoleucine.
Molecular consequence: missense variant.
Genome position (GRCh38, 1-based): chr1:181,783,699, G>A. VCF-style: chr1-181783699-G-A. GRCh37 (hg19) VCF-style: chr1-181752835-G-A.
Other names: c.5385G>A, p.Met1795Ile (NM_000721.4); c.5328G>A, p.Met1776Ile (NM_001205294.2); short protein forms M1776I, M1795I.
Identifiers: ClinVar variation 4217811 (VCV004217811.2).
Genomic context (GRCh38, chr1:181,783,699, plus strand): 5'-TTTTTTTTTGCCTGCTGTTTCTTTTTTCTCTTTCACACAGAGGTTGGTCCTGATGAACAT[G>A]CCAGTAGCTGAGGACATGACGGTCCACTTCACCTCCACACTTATGGCTCTGATCCGGACA-3'
Protein context (NP_001192222.1, residues 1785-1805): VAYKRLVLMN[Met1795Ile]PVAEDMTVHF